The following is an entry in ClinVar:

NM_001035.3(RYR2):c.6546A>G (p.Gly2182=)

Gene: RYR2 (ryanodine receptor 2; plus strand). Cytogenetic location: 1q43.
Variant type: single nucleotide variant.
Coding change: c.6546A>G on transcript NM_001035.3 (MANE Select); coding-DNA position 6546, A replaced by G.
Protein change: p.Gly2182=; no amino-acid change (glycine 2182 retained).
Molecular consequence: synonymous variant.
Genome position (GRCh38, 1-based): chr1:237,631,532, A>G. VCF-style: chr1-237631532-A-G. GRCh37 (hg19) VCF-style: chr1-237794832-A-G.
Identifiers: ClinVar variation 2034506 (VCV002034506.4), dbSNP rs750289723, ClinGen allele CA087133.

ClinVar aggregate classification (germline): Uncertain significance (1 of 4 stars; one submission).

Conditions:
Catecholaminergic polymorphic ventricular tachycardia 1. Also called: RYR2-Related Catecholaminergic Polymorphic Ventricular Tachycardia; VENTRICULAR TACHYCARDIA, STRESS-INDUCED POLYMORPHIC 1; VENTRICULAR TACHYCARDIA, CATECHOLAMINERGIC POLYMORPHIC, 1, WITH OR WITHOUT ATRIAL DYSFUNCTION AND/OR DILATED CARDIOMYOPATHY. Identifiers: Orphanet 3286, MedGen C1631597, MONDO:0011484, OMIM 604772.

Allele frequency attached by ClinVar (database versions not stated): ExAC 0.00002.

Submission:

Labcorp Genetics (formerly Invitae), Labcorp
Classification: Uncertain significance for Catecholaminergic polymorphic ventricular tachycardia 1. Last evaluated: 2022-10-07. Review status: criteria provided, single submitter. Criteria: Invitae Variant Classification Sherloc (09022015). Collection method: clinical testing. Allele origin: germline.
Comment: In summary, the available evidence is currently insufficient to determine the role of this variant in disease. Therefore, it has been classified as a Variant of Uncertain Significance. Algorithms developed to predict the effect of sequence changes on RNA splicing suggest that this variant may disrupt the consensus splice site. This variant has not been reported in the literature in individuals affected with RYR2-related conditions. This variant is not present in population databases (gnomAD no frequency). This sequence change affects codon 2182 of the RYR2 mRNA. It is a 'silent' change, meaning that it does not change the encoded amino acid sequence of the RYR2 protein.